The following is an entry in ClinVar:

ClinVar aggregate classification (germline): Uncertain significance. Review status: criteria provided, multiple submitters, no conflicts (2 of 4 stars). 2 submissions from 2 submitters: Uncertain significance (2). Last evaluated 2024-11-19.

Conditions:
Symmetrical dyschromatosis of extremities (DSH). Also called: DYSCHROMATOSIS SYMMETRICA HEREDITARIA 1; RETICULATE ACROPIGMENTATION OF DOHI; SYMMETRIC DYSCHROMATOSIS OF THE EXTREMITIES; Dyschromatosis symmetrica hereditaria. Identifiers: Orphanet 41, MedGen C0406775, MONDO:0007483, OMIM 127400.
Aicardi-Goutieres syndrome 6 (AGS6). Identifiers: Orphanet 51, MedGen C3539013, MONDO:0014007, OMIM 615010.

Submissions (2):

Labcorp Genetics (formerly Invitae), Labcorp
Classification: Uncertain significance for Aicardi-Goutieres syndrome 6; Symmetrical dyschromatosis of extremities. Last evaluated: 2024-11-19. Review status: criteria provided, single submitter. Criteria: Invitae Variant Classification Sherloc (09022015). Collection method: clinical testing. Allele origin: germline.
Comment: This sequence change replaces phenylalanine, which is neutral and non-polar, with tyrosine, which is neutral and polar, at codon 919 of the ADAR protein (p.Phe919Tyr). This variant is not present in population databases (gnomAD no frequency). This variant has not been reported in the literature in individuals affected with ADAR-related conditions. Invitae Evidence Modeling of protein sequence and biophysical properties (such as structural, functional, and spatial information, amino acid conservation, physicochemical variation, residue mobility, and thermodynamic stability) has been performed for this missense variant. However, the output from this modeling did not meet the statistical confidence thresholds required to predict the impact of this variant on ADAR protein function. In summary, the available evidence is currently insufficient to determine the role of this variant in disease. Therefore, it has been classified as a Variant of Uncertain Significance.

GeneDx
Classification: Uncertain significance. Last evaluated: 2024-09-09. Review status: criteria provided, single submitter. Criteria: GeneDx Variant Classification Process June 2021. Collection method: clinical testing. Allele origin: germline. Affected: yes.
Comment: Not observed at significant frequency in large population cohorts (gnomAD); In silico analysis indicates that this missense variant does not alter protein structure/function; Has not been previously published as pathogenic or benign to our knowledge

NM_001111.5(ADAR):c.2756T>A (p.Phe919Tyr)

Genes: ADAR (adenosine deaminase RNA specific; minus strand), LOC126805874 (CDK7 strongly-dependent group 2 enhancer GRCh37_chr1:154561176-154562375; plus strand). Cytogenetic location: 1q21.3.
Variant type: single nucleotide variant.
Coding change: c.2756T>A on transcript NM_001111.5 (MANE Select); coding-DNA position 2756, T replaced by A.
Protein change: p.Phe919Tyr; replaces phenylalanine 919 with tyrosine.
Molecular consequence: missense variant.
Genome position (GRCh38, 1-based): chr1:154,589,375, A>T on the plus strand (T>A on the coding strand, the complement: ADAR is on the minus strand). VCF-style: chr1-154589375-A-T. GRCh37 (hg19) VCF-style: chr1-154561851-A-T.
Other names: c.1871T>A, p.Phe624Tyr (NM_001025107.3, NM_001193495.2, NM_001365046.1 and 2 more transcripts); c.2783T>A, p.Phe928Tyr (NM_001365045.1); c.1793T>A, p.Phe598Tyr (NM_001365049.1); c.2678T>A, p.Phe893Tyr (NM_015840.4); c.2621T>A, p.Phe874Tyr (NM_015841.4); c.2756T>A (NM_001111.4); short protein forms F598Y, F624Y, F874Y, F893Y, F919Y, F928Y.
Identifiers: ClinVar variation 3758745 (VCV003758745.3).